The following is an entry in ClinVar:

NM_000834.5(GRIN2B):c.23G>A (p.Cys8Tyr)

Gene: GRIN2B (glutamate ionotropic receptor NMDA type subunit 2B; minus strand). Cytogenetic location: 12p13.1.
Variant type: single nucleotide variant.
Coding change: c.23G>A on transcript NM_000834.5 (MANE Select); coding-DNA position 23, G replaced by A.
Protein change: p.Cys8Tyr; replaces cysteine 8 with tyrosine.
Molecular consequence: missense variant.
Genome position (GRCh38, 1-based): chr12:13,866,186, C>T on the plus strand (G>A on the coding strand, the complement: GRIN2B is on the minus strand). VCF-style: chr12-13866186-C-T. GRCh37 (hg19) VCF-style: chr12-14019120-C-T.
Other names: c.23G>A, p.Cys8Tyr (NM_001413992.1, NM_001413993.1, NM_001413994.1 and 1 more transcripts); short protein forms C8Y.
Identifiers: ClinVar variation 2927185 (VCV002927185.3), dbSNP rs1060503160, ClinGen allele CA384055155.

ClinVar aggregate classification (germline): Uncertain significance (1 of 4 stars; one submission).

Conditions:
Intellectual developmental disorder, autosomal dominant 6, with or without seizures. Also called: GRIN2B-related developmental delay, intellectual disability and autism spectrum disorder; Intellectual disability, autosomal dominant 6. Identifiers: Orphanet 589547, MedGen C3151411, MONDO:0013509, OMIM 613970.
Developmental and epileptic encephalopathy, 27 (DEE27). Also called: Epileptic encephalopathy, early infantile, 27; GRIN2B-Related Neurodevelopmental Disorder. Identifiers: Orphanet 3451, MedGen C4015316, MONDO:0014505, OMIM 616139.

Allele frequency attached by ClinVar (database versions not stated): gnomAD exomes below 0.00001.
gnomAD v4.1: 6 of 1,610,574 alleles (0.00037%); highest among the groups gnomAD compares: Admixed American, 0.0017%; no homozygotes.

Submission:

Labcorp Genetics (formerly Invitae), Labcorp
Classification: Uncertain significance for Developmental and epileptic encephalopathy, 27; Intellectual developmental disorder, autosomal dominant 6, with or without seizures. Last evaluated: 2024-11-16. Review status: criteria provided, single submitter. Criteria: Invitae Variant Classification Sherloc (09022015). Collection method: clinical testing. Allele origin: germline.
Comment: This sequence change replaces cysteine, which is neutral and slightly polar, with tyrosine, which is neutral and polar, at codon 8 of the GRIN2B protein (p.Cys8Tyr). This variant is present in population databases (no rsID available, gnomAD 0.003%). This variant has not been reported in the literature in individuals affected with GRIN2B-related conditions. ClinVar contains an entry for this variant (Variation ID: 2927185). Invitae Evidence Modeling of protein sequence and biophysical properties (such as structural, functional, and spatial information, amino acid conservation, physicochemical variation, residue mobility, and thermodynamic stability) indicates that this missense variant is not expected to disrupt GRIN2B protein function with a negative predictive value of 95%. In summary, the available evidence is currently insufficient to determine the role of this variant in disease. Therefore, it has been classified as a Variant of Uncertain Significance.